The following is an entry in ClinVar:

NM_002087.4(GRN):c.687T>G (p.Tyr229Ter)

Gene: GRN (granulin precursor; plus strand). Cytogenetic location: 17q21.31.
Variant type: single nucleotide variant.
Coding change: c.687T>G on transcript NM_002087.4 (MANE Select); coding-DNA position 687, T replaced by G.
Protein change: p.Tyr229Ter; replaces tyrosine 229 with a stop codon.
Molecular consequence: nonsense.
Genome position (GRCh38, 1-based): chr17:44,350,779, T>G. VCF-style: chr17-44350779-T-G. GRCh37 (hg19) VCF-style: chr17-42428147-T-G.
Other names: short protein forms Y229*.
Identifiers: ClinVar variation 4874130 (VCV004874130.2).

ClinVar aggregate classification (germline): Pathogenic (1 of 4 stars; one submission).

Submission:

CeGaT Center for Human Genetics Tuebingen
Classification: Pathogenic. Last evaluated: 2026-05-01. Review status: criteria provided, single submitter. Criteria: CeGaT Center For Human Genetics Tuebingen Variant Classification Criteria Version 2. Collection method: clinical testing. Allele origin: germline. Affected: yes. Observed: 1 variant allele.
Comment: GRN: PVS1, PM2, PS4:Moderate